The following is an entry in ClinVar:

ClinVar aggregate classification (germline): Pathogenic. Review status: criteria provided, multiple submitters, no conflicts (2 of 4 stars). 2 submissions from 2 submitters: Pathogenic (2). Last evaluated 2022-11-08.

Conditions:
Glycogen storage disease, type VI (GSD6). Also called: Glycogen storage disease type 6, due to phosphorylation; GSD VI; Glycogen storage disease type 6; Hepatic glycogen phosphorylase deficiency; HERS DISEASE; PHOSPHORYLASE DEFICIENCY GLYCOGEN-STORAGE DISEASE OF LIVER. Identifiers: Orphanet 369, MedGen C0017925, MONDO:0009294, OMIM 232700.

Submissions (2):

GeneDx
Classification: Pathogenic. Last evaluated: 2022-11-08. Review status: criteria provided, single submitter. Criteria: GeneDx Variant Classification Process June 2021. Collection method: clinical testing. Allele origin: germline. Affected: yes.
Comment: Frameshift variant predicted to result in protein truncation or nonsense mediated decay in a gene for which loss-of-function is a known mechanism of disease; Not observed at a significant frequency in large population cohorts (gnomAD); Has not been previously published as pathogenic or benign to our knowledge

Laboratory for Molecular Medicine, Mass General Brigham Personalized Medicine
Classification: Pathogenic for Glycogen storage disease 6. Last evaluated: 2013-11-10. Review status: criteria provided, single submitter. Criteria: LMM Criteria. Collection method: clinical testing. Allele origin: germline. Inheritance: Autosomal recessive inheritance. Observed: 1 variant allele. Study: CSER-MedSeq.
Comment: The Ser15ArgfsX21 variant in PYGL has not been previously reported in individuals with glycogen storage disease 6 or in large population studies. However, this novel frameshift variant is predicted to alter the protein’s amino acid sequence beginning at position 15 and lead to a premature termination codon 21 amino acids downstream. This alteration is then predicted to lead to a truncated or absent protein. This variant meets our criteria to be classified as pathogenic based upon the established role of loss-of-function variants in glycogen storage disease 6.

NM_002863.5(PYGL):c.25_44dup (p.Ser15fs)

Gene: PYGL (glycogen phosphorylase L; minus strand). Cytogenetic location: 14q22.1.
Variant type: Duplication.
Coding change: c.25_44dup on transcript NM_002863.5 (MANE Select); coding-DNA positions 25 to 44, 20 bases duplicated (GAGAAGCGGCGGCAGATCAG).
Protein change: p.Ser15fs; shifts the reading frame from serine 15.
Molecular consequence: frameshift variant.
Genome position (GRCh38, 1-based): chr14:50,944,360-50,944,379, CTGATCTGCCGCCGCTTCTC duplicated on the plus strand (GAGAAGCGGCGGCAGATCAG on the coding strand, the reverse complement: PYGL is on the minus strand); duplicating any 20 consecutive bases within chr14:50,944,360-50,944,382 gives the same sequence; the c. name uses the placement nearest the transcript's 3' end. VCF-style (leftmost placement, unchanged base first): chr14-50944359-G-GCTGATCTGCCGCCGCTTCTC. GRCh37 (hg19) VCF-style: chr14-51411077-G-GCTGATCTGCCGCCGCTTCTC.
Other names: NM_002863.4:c.25_44dup; p.Ser15ArgfsX21; c.25_44dup, p.Ser15fs (NM_001163940.2); short protein forms S15fs.
Identifiers: ClinVar variation 189242 (VCV000189242.5), dbSNP rs786204785, ClinGen allele CA274495.